The following is an entry in ClinVar:

ClinVar aggregate classification (germline): Likely benign (1 of 4 stars; one submission).

Conditions:
Retinoblastoma (RB1). Also called: RETINOBLASTOMA, SOMATIC. Identifiers: Orphanet 790, MedGen C0035335, MeSH D012175, MONDO:0008380, OMIM 180200, HP:0009919. Disease mechanism: loss of function. Inheritance: Both sporadic and heritable forms are tested..

Submission:

All of Us Research Program, National Institutes of Health
Classification: Likely benign for Retinoblastoma. Last evaluated: 2023-12-13. Review status: criteria provided, single submitter. Criteria: ACMG Guidelines, 2015. Collection method: clinical testing. Allele origin: germline. Inheritance: Autosomal dominant inheritance. Observed: 1 variant allele, 1 heterozygote.
Comment: This study involves interpretation of variants in research participants for the purpose of population health screening. Participant phenotype was not available at the time of variant classification. Additional details can be found in publication PMID: 35346344, PMCID: PMC8962531

NM_000321.3(RB1):c.608-15A>C

Gene: RB1 (RB transcriptional corepressor 1; plus strand). Cytogenetic location: 13q14.2.
Variant type: single nucleotide variant.
Coding change: c.608-15A>C on transcript NM_000321.3 (MANE Select); 15 bases into the intron before coding-DNA position 608, A replaced by C.
Molecular consequence: intron variant.
Genome position (GRCh38, 1-based): chr13:48,360,002, A>C. VCF-style: chr13-48360002-A-C. GRCh37 (hg19) VCF-style: chr13-48934138-A-C.
Other names: c.608-15A>C (NM_001407165.1, NM_001407166.1).
Identifiers: ClinVar variation 3074722 (VCV003074722.1), dbSNP rs2138107476, ClinGen allele CA2575413257.